The following is an entry in ClinVar:

NM_020975.6(RET):c.3115C>G (p.Pro1039Ala)

Gene: RET (ret proto-oncogene; plus strand). Cytogenetic location: 10q11.21.
Variant type: single nucleotide variant.
Coding change: c.3115C>G on transcript NM_020975.6 (MANE Select); coding-DNA position 3115, C replaced by G.
Protein change: p.Pro1039Ala; replaces proline 1039 with alanine.
Molecular consequence: missense variant.
Genome position (GRCh38, 1-based): chr10:43,126,650, C>G. VCF-style: chr10-43126650-C-G. GRCh37 (hg19) VCF-style: chr10-43622098-C-G.
Other names: c.3115C>G, p.Pro1039Ala (NM_000323.2, NM_001406743.1, NM_001406744.1 and 4 more transcripts); c.2353C>G, p.Pro785Ala (NM_001355216.2); c.2986C>G, p.Pro996Ala (NM_001406761.1, NM_001406762.1, NM_001406764.1); c.2980C>G, p.Pro994Ala (NM_001406763.1, NM_001406765.1); c.2827C>G, p.Pro943Ala (NM_001406766.1, NM_001406767.1, NM_001406770.1); c.2851C>G, p.Pro951Ala (NM_001406768.1); c.2719C>G, p.Pro907Ala (NM_001406769.1, NM_001406772.1); c.2677C>G, p.Pro893Ala (NM_001406771.1, NM_001406773.1); and 10 more; short protein forms P1039A, P785A, P709A, P740A, P864A, P943A, P994A, P556A.
Identifiers: ClinVar variation 1473829 (VCV001473829.8), dbSNP rs2133035293, ClinGen allele CA376558425.
Genomic context (GRCh38, chr10:43,126,650, plus strand): 5'-GCGGCGTCCACTCCATCTGACTCCCTGATTTATGACGACGGCCTCTCAGAGGAGGAGACA[C>G]CGCTGGTGGACTGTAATAATGCCCCCCTCCCTCGAGCCCTCCCTTCCACATGGATTGAAA-3'
Protein context (NP_066124.1, residues 1029-1049): YDDGLSEEET[Pro1039Ala]LVDCNNAPLP

ClinVar aggregate classification (germline): Uncertain significance. Review status: criteria provided, multiple submitters, no conflicts (2 of 4 stars). 2 submissions from 2 submitters: Uncertain significance (2). Last evaluated 2025-07-25.

Conditions:
Hereditary cancer-predisposing syndrome. Also called: Neoplastic Syndromes, Hereditary; Hereditary Cancer Syndrome; Tumor predisposition; Hereditary neoplastic syndrome. Identifiers: Orphanet 140162, MedGen C0027672, MeSH D009386, MONDO:0015356.
Multiple endocrine neoplasia, type 2 (MEN2). Identifiers: Orphanet 653, MedGen C4048306, MONDO:0019003. Disease mechanism: gain of function.

Submissions (2):

Ambry Genetics
Classification: Uncertain significance for Hereditary cancer-predisposing syndrome. Last evaluated: 2025-07-25. Review status: criteria provided, single submitter. Criteria: Ambry Variant Classification Scheme 2023. Collection method: clinical testing. Allele origin: germline.
Comment: The p.P1039A variant (also known as c.3115C>G), located in coding exon 19 of the RET gene, results from a C to G substitution at nucleotide position 3115. The proline at codon 1039 is replaced by alanine, an amino acid with highly similar properties. This amino acid position is conserved. In addition, the in silico prediction for this alteration is inconclusive. Based on the available evidence, the clinical significance of this variant remains unclear.

Labcorp Genetics (formerly Invitae), Labcorp
Classification: Uncertain significance for Multiple endocrine neoplasia, type 2. Last evaluated: 2021-08-12. Review status: criteria provided, single submitter. Criteria: Invitae Variant Classification Sherloc (09022015). Collection method: clinical testing. Allele origin: germline.
Comment: Algorithms developed to predict the effect of missense changes on protein structure and function are either unavailable or do not agree on the potential impact of this missense change (SIFT: "Deleterious"; PolyPhen-2: "Possibly Damaging"; Align-GVGD: "Class C0"). This variant has not been reported in the literature in individuals affected with RET-related conditions. This variant is not present in population databases (ExAC no frequency). This sequence change replaces proline with alanine at codon 1039 of the RET protein (p.Pro1039Ala). The proline residue is highly conserved and there is a small physicochemical difference between proline and alanine. In summary, the available evidence is currently insufficient to determine the role of this variant in disease. Therefore, it has been classified as a Variant of Uncertain Significance.